The following is an entry in ClinVar:

ClinVar aggregate classification (germline): Uncertain significance (1 of 4 stars; one submission).

Conditions:
SCP2-related disorder. Also called: SCP2-related condition.

gnomAD v4.1: 24 of 1,614,062 alleles (0.0015%); highest among the groups gnomAD compares: Admixed American, 0.0067%; no homozygotes.

Submission:

PreventionGenetics, part of Exact Sciences
Classification: Uncertain significance for SCP2-related condition. Last evaluated: 2025-07-07. Review status: criteria provided, single submitter. Criteria: ACMG Guidelines, 2015. Collection method: clinical testing. Allele origin: germline.
Comment: The SCP2 c.1204C>T variant is predicted to result in the amino acid substitution p.Leu402Phe. To our knowledge, this variant has not been reported in the literature. This variant is reported in 0.012% of alleles in individuals of Latino descent in gnomAD. At this time, the clinical significance of this variant is uncertain due to the absence of conclusive functional and genetic evidence.

NM_002979.5(SCP2):c.1204C>T (p.Leu402Phe)

Gene: SCP2 (sterol carrier protein 2; plus strand). Cytogenetic location: 1p32.3.
Variant type: single nucleotide variant.
Coding change: c.1204C>T on transcript NM_002979.5 (MANE Select); coding-DNA position 1204, C replaced by T.
Protein change: p.Leu402Phe; replaces leucine 402 with phenylalanine.
Molecular consequence: missense variant. On other transcripts: 5 prime UTR variant (3).
Genome position (GRCh38, 1-based): chr1:53,015,012, C>T. VCF-style: chr1-53015012-C-T. GRCh37 (hg19) VCF-style: chr1-53480684-C-T.
Other names: c.-9C>T (NM_001007099.3, NM_001007100.3, NM_001007250.3); c.1132C>T, p.Leu378Phe (NM_001193599.2); c.1072C>T, p.Leu358Phe (NM_001193600.2); c.961C>T, p.Leu321Phe (NM_001193617.2); short protein forms L358F, L378F, L321F, L402F.
Identifiers: ClinVar variation 4979594 (VCV004979594.1).